The following is an entry in ClinVar:

ClinVar aggregate classification (germline): Uncertain significance (1 of 4 stars; one submission).

Conditions:
Hereditary cancer-predisposing syndrome. Also called: Tumor predisposition; Hereditary neoplastic syndrome; Neoplastic Syndromes, Hereditary; Hereditary Cancer Syndrome. Identifiers: Orphanet 140162, MedGen C0027672, MeSH D009386, MONDO:0015356.

Allele frequency attached by ClinVar (database versions not stated): gnomAD exomes 0.00001.
gnomAD v4.1: 5 of 1,613,534 alleles (0.00031%); highest among the groups gnomAD compares: Non-Finnish European, 0.00042%; no homozygotes.

Submission:

Labcorp Genetics (formerly Invitae), Labcorp
Classification: Uncertain significance for Hereditary cancer-predisposing syndrome. Last evaluated: 2020-08-25. Review status: criteria provided, single submitter. Criteria: Invitae Variant Classification Sherloc (09022015). Collection method: clinical testing. Allele origin: germline.
Comment: In summary, the available evidence is currently insufficient to determine the role of this variant in disease. Therefore, it has been classified as a Variant of Uncertain Significance. Nucleotide substitutions within the consensus splice site are a relatively common cause of aberrant splicing (PMID: 17576681, 9536098). Algorithms developed to predict the effect of sequence changes on RNA splicing suggest that this variant may disrupt the consensus splice site, but this prediction has not been confirmed by published transcriptional studies. This variant has not been reported in the literature in individuals with RAD50-related conditions. This variant is not present in population databases (ExAC no frequency). This sequence change falls in intron 6 of the RAD50 gene. It does not directly change the encoded amino acid sequence of the RAD50 protein, but it affects a nucleotide within the consensus splice site of the intron.

Literature cited by the submitters: PubMed 17576681; PubMed 9536098.

NM_005732.4(RAD50):c.885+6T>C

Gene: RAD50 (RAD50 double strand break repair protein; plus strand). Cytogenetic location: 5q31.1.
Variant type: single nucleotide variant.
Coding change: c.885+6T>C on transcript NM_005732.4 (MANE Select); 6 bases into the intron after coding-DNA position 885, T replaced by C.
Molecular consequence: intron variant.
Genome position (GRCh38, 1-based): chr5:132,587,696, T>C. VCF-style: chr5-132587696-T-C. GRCh37 (hg19) VCF-style: chr5-131923388-T-C.
Identifiers: ClinVar variation 1011058 (VCV001011058.7), dbSNP rs1750619594, ClinGen allele CA1583236824.
Genomic context (GRCh38, chr5:132,587,696, plus strand): 5'-CCGAAAGAAGCAAATGGAGAAAGATAATAGTGAACTGGAAGAGAAAATGGAAAAGGTTTG[T>C]GGTGGTAGAATTTTGTTCTGCTTCAAAATTTTGGGATTATTGTAATGAACTTTATTTGAA-3'